The following is an entry in ClinVar:

NM_000077.5(CDKN2A):c.151-223G>A

Gene: CDKN2A (cyclin dependent kinase inhibitor 2A; minus strand). Cytogenetic location: 9p21.3.
Variant type: single nucleotide variant.
Coding change: c.151-223G>A on transcript NM_000077.5 (MANE Select); 223 bases into the intron before coding-DNA position 151, G replaced by A.
Molecular consequence: intron variant.
Genome position (GRCh38, 1-based): chr9:21,971,431, C>T on the plus strand (G>A on the coding strand, the complement: CDKN2A is on the minus strand). VCF-style: chr9-21971431-C-T. GRCh37 (hg19) VCF-style: chr9-21971430-C-T.
Other names: c.-3-223G>A (NM_001363763.2); c.194-223G>A (NM_058195.4); c.151-223G>A (NM_001195132.2); c.*74-223G>A (NM_058197.5).
Identifiers: ClinVar variation 1214970 (VCV001214970.11), dbSNP rs138233963, ClinGen allele CA190730655.

ClinVar aggregate classification (germline): Likely benign. Review status: criteria provided, multiple submitters, no conflicts (2 of 4 stars). 3 submissions from 3 submitters: Likely benign (3). Last evaluated 2026-09-01.

Allele frequency attached by ClinVar (database versions not stated): gnomAD 0.00397 and 0.00370; 1000 Genomes Project 30x 0.00281; 1000 Genomes Project 0.00300.
gnomAD v4.1: 4,354 of 1,399,314 alleles (0.31%); highest among the groups gnomAD compares: Middle Eastern, 1.1%; 15 homozygotes.

Submissions (3):

CeGaT Center for Human Genetics Tuebingen
Classification: Likely benign. Last evaluated: 2026-09-01. Review status: criteria provided, single submitter. Criteria: CeGaT Center For Human Genetics Tuebingen Variant Classification Criteria Version 2. Collection method: clinical testing. Allele origin: germline. Affected: yes. Observed: 6 variant alleles.
Comment: CDKN2A: BS1

GeneDx
Classification: Likely benign. Last evaluated: 2019-11-13. Review status: criteria provided, single submitter. Criteria: GeneDx Variant Classification Process June 2021. Collection method: clinical testing. Allele origin: germline. Affected: yes.

Breakthrough Genomics
Classification: Likely benign. Review status: criteria provided, single submitter. Criteria: ACMG Guidelines, 2015. Collection method: not provided. Allele origin: germline. Inheritance: Autosomal dominant inheritance. Affected: yes.